The following is an entry in ClinVar:

ClinVar aggregate classification (germline): Benign/Likely benign. Review status: criteria provided, multiple submitters, no conflicts (2 of 4 stars). 12 submissions from 12 submitters: Benign (5); Likely benign (2). 5 of the submissions do not count toward it. Last evaluated 2026-07-01.

Conditions:
Febrile seizures, familial, 4 (FEB4). Also called: CONVULSIONS, FAMILIAL FEBRILE, 4. Identifiers: MedGen C1858493, MONDO:0011443, OMIM 604352.
Usher syndrome type 2C. Also called: USHER SYNDROME, TYPE IIC; Usher syndrome, type 2B. Identifiers: Orphanet 231178, Orphanet 886, MedGen C2931213, MONDO:0011558, OMIM 605472.

Allele frequency attached by ClinVar (database versions not stated): TOPMed 0.00243; gnomAD 0.00316 and 0.00332; 1000 Genomes Project 30x 0.00344; 1000 Genomes Project 0.00359; ESP Exome Variant Server 0.00378; gnomAD exomes 0.00407; ExAC 0.00425.
gnomAD v4.1: 6,398 of 1,613,858 alleles (0.4%); highest among the groups gnomAD compares: South Asian, 0.89%; 31 homozygotes.

Submissions (12):

CeGaT Center for Human Genetics Tuebingen
Classification: Likely benign. Last evaluated: 2026-07-01. Review status: criteria provided, single submitter. Criteria: CeGaT Center For Human Genetics Tuebingen Variant Classification Criteria Version 2. Collection method: clinical testing. Allele origin: germline. Affected: yes. Observed: 8 variant alleles.
Comment: ADGRV1: BP4, BP7, BS2

Labcorp Genetics (formerly Invitae), Labcorp
Classification: Benign. Last evaluated: 2026-02-04. Review status: criteria provided, single submitter. Criteria: Invitae Variant Classification Sherloc (09022015). Collection method: clinical testing. Allele origin: germline.

GeneDx
Classification: Benign. Last evaluated: 2019-07-29. Review status: criteria provided, single submitter. Criteria: GeneDx Variant Classification Process June 2021. Collection method: clinical testing. Allele origin: germline. Affected: yes.

Illumina Laboratory Services, Illumina
Classification: Likely benign for Usher syndrome type 2C. Last evaluated: 2018-01-13. Review status: criteria provided, single submitter. Criteria: ICSL Variant Classification Criteria 13 December 2019. Collection method: clinical testing. Allele origin: germline.
Comment: This variant was observed in the ICSL laboratory as part of a predisposition screen in an ostensibly healthy population. It had not been previously curated by ICSL or reported in the Human Gene Mutation Database (HGMD: prior to June 1st, 2018), and was therefore a candidate for classification through an automated scoring system. Utilizing variant allele frequency, disease prevalence and penetrance estimates, and inheritance mode, an automated score was calculated to assess if this variant is too frequent to cause the disease. Based on the score and internal cut-off values, a variant classified as likely benign is not then subjected to further curation. The score for this variant resulted in a classification of likely benign for this disease.

Athena Diagnostics
Classification: Benign. Last evaluated: 2017-06-26. Review status: criteria provided, single submitter. Criteria: Athena Diagnostics Criteria. Collection method: clinical testing. Allele origin: germline.

Eurofins Ntd Llc (ga)
Classification: Benign. Last evaluated: 2014-12-16. Review status: criteria provided, single submitter. Criteria: EGL Classification Definitions 2015. Collection method: clinical testing. Allele origin: germline. Observed: 1 variant allele, 1 heterozygote.

Laboratory for Molecular Medicine, Mass General Brigham Personalized Medicine
Classification: Benign. Last evaluated: 2012-04-30. Review status: criteria provided, single submitter. Criteria: LMM Criteria. Collection method: clinical testing. Allele origin: germline. Observed: 14 variant alleles.
Comment: Ala6091Ala in Exon 86 of GPR98: This variant is not expected to have clinical si gnificance because it does not alter an amino acid residue, is not located withi n the splice consensus sequence, and has been identified in 0.6% (38/6802) of Eu ropean American chromosomes from a broad population by the NHLBI Exome Sequencin g Project (dbSNP rs148171369).

Clinical Genetics DNA and cytogenetics Diagnostics Lab, Erasmus MC, Erasmus Medical Center
Classification: Likely benign. Review status: no assertion criteria provided. Collection method: clinical testing. Allele origin: germline. Affected: yes. Study: VKGL Data-share Consensus. Not counted in ClinVar's aggregate classification.

Clinical Genetics, Academic Medical Center
Classification: Benign. Review status: no assertion criteria provided. Collection method: clinical testing. Allele origin: germline. Affected: yes. Study: VKGL Data-share Consensus. Not counted in ClinVar's aggregate classification.

Genome Diagnostics Laboratory, University Medical Center Utrecht
Classification: Likely benign. Review status: no assertion criteria provided. Collection method: clinical testing. Allele origin: germline. Affected: yes. Study: VKGL Data-share Consensus. Not counted in ClinVar's aggregate classification.

NEI Ophthalmic Genomics Laboratory, National Institutes of Health
No classification provided. Review status: no classification provided. Collection method: not provided. Allele origin: not provided. Not counted in ClinVar's aggregate classification.

Genetic Services Laboratory, University of Chicago
Classification: Uncertain significance for Febrile seizures, familial, 4. Last evaluated: 2014-03-19. Review status: flagged submission. Criteria: ACMG Guidelines, 2007. Collection method: clinical testing. Allele origin: germline. Inheritance: Autosomal dominant inheritance. Not counted in ClinVar's aggregate classification.
ClinVar note: Reason: Outlier claim with insufficient supporting evidence

NM_032119.4(ADGRV1):c.18273A>G (p.Ala6091=)

Gene: ADGRV1 (adhesion G protein-coupled receptor V1; plus strand). Cytogenetic location: 5q14.3.
Variant type: single nucleotide variant.
Coding change: c.18273A>G on transcript NM_032119.4 (MANE Select); coding-DNA position 18273, A replaced by G.
Protein change: p.Ala6091=; no amino-acid change (alanine 6091 retained).
Molecular consequence: synonymous variant. On other transcripts: non-coding transcript variant (1).
Genome position (GRCh38, 1-based): chr5:91,072,567, A>G. VCF-style: chr5-91072567-A-G. GRCh37 (hg19) VCF-style: chr5-90368384-A-G.
Identifiers: ClinVar variation 100602 (VCV000100602.53), dbSNP rs137853918, ClinGen allele CA182206.